The following is an entry in ClinVar:

ClinVar aggregate classification (germline): Uncertain significance (1 of 4 stars; one submission).

Submission:

Labcorp Genetics (formerly Invitae), Labcorp
Classification: Uncertain significance. Last evaluated: 2021-08-26. Review status: criteria provided, single submitter. Criteria: Invitae Variant Classification Sherloc (09022015). Collection method: clinical testing. Allele origin: germline.
Comment: This sequence change replaces histidine with tyrosine at codon 1893 of the SZT2 protein (p.His1893Tyr). The histidine residue is highly conserved and there is a moderate physicochemical difference between histidine and tyrosine. This variant is not present in population databases (ExAC no frequency). This variant has not been reported in the literature in individuals affected with SZT2-related conditions. Algorithms developed to predict the effect of missense changes on protein structure and function are either unavailable or do not agree on the potential impact of this missense change (SIFT: "Tolerated"; PolyPhen-2: "Possibly Damaging"; Align-GVGD: "Class C0"). In summary, the available evidence is currently insufficient to determine the role of this variant in disease. Therefore, it has been classified as a Variant of Uncertain Significance.

NM_001365999.1(SZT2):c.5848C>T (p.His1950Tyr)

Gene: SZT2 (SZT2 subunit of KICSTOR complex; plus strand). Cytogenetic location: 1p34.2.
Variant type: single nucleotide variant.
Coding change: c.5848C>T on transcript NM_001365999.1 (MANE Select); coding-DNA position 5848, C replaced by T.
Protein change: p.His1950Tyr; replaces histidine 1950 with tyrosine.
Molecular consequence: missense variant.
Genome position (GRCh38, 1-based): chr1:43,434,429, C>T. VCF-style: chr1-43434429-C-T. GRCh37 (hg19) VCF-style: chr1-43900100-C-T.
Other names: c.5677C>T, p.His1893Tyr (NM_015284.4); short protein forms H1893Y, H1950Y.
Identifiers: ClinVar variation 1051831 (VCV001051831.2), dbSNP rs2153934513, ClinGen allele CA340027235.